The following is an entry in ClinVar:

ClinVar aggregate classification (germline): Pathogenic/Likely pathogenic. Review status: criteria provided, multiple submitters, no conflicts (2 of 4 stars). 5 submissions from 5 submitters: Pathogenic (4); Likely pathogenic (1). Last evaluated 2026-02-09.

Conditions:
IFT140-related disorder. Also called: IFT140-related condition.
Saldino-Mainzer syndrome (SRTD9). Also called: SHORT-RIB THORACIC DYSPLASIA 9 WITHOUT POLYDACTYLY; short-rib thoracic dysplasia 9 with or without polydactyly; CONORENAL SYNDROME; Renal dysplasia, retinal pigmentary dystrophy, cerebellar ataxia and skeletal dysplasia. Identifiers: Orphanet 140969, MedGen C1849437, MONDO:0009964, OMIM 266920.
Retinitis pigmentosa 80 (RP80). Identifiers: MedGen C4540439, MONDO:0054708, OMIM 617781.
Retinal disorder. Also called: Retinal disorders; Retinopathies; Retinal Diseases; Retinopathy. Identifiers: MedGen C0035309, MONDO:0005283, HP:0000488.
IFT140-related disorders.

Allele frequency attached by ClinVar (database versions not stated): ExAC 0.00001; gnomAD 0.00001; gnomAD exomes 0.00001 and 0.00002; TOPMed 0.00001.
gnomAD v4.1: 33 of 1,599,250 alleles (0.0021%); highest among the groups gnomAD compares: Non-Finnish European, 0.0027%; no homozygotes.

Submissions (5):

PreventionGenetics, part of Exact Sciences
Classification: Pathogenic for IFT140-related condition. Last evaluated: 2026-02-09. Review status: criteria provided, single submitter. Criteria: ACMG Guidelines, 2015. Collection method: clinical testing. Allele origin: germline.
Comment: The IFT140 c.1959G>A variant is predicted to result in premature protein termination (p.Trp653*). This variant has been reported in individuals with autosomal dominant polycystic kidney-spectrum phenotype (Senum et al. 2022. PubMed ID: 34890546, Table S3; Chang et al. 2022. PubMed ID: 36573973). This variant is reported in 0.0031% of alleles in individuals of European (Non-Finnish) descent in gnomAD. Nonsense variants in IFT140 are expected to be pathogenic. This variant is interpreted as pathogenic for both autosomal dominant and autosomal recessive IFT140-related disorders.

Genetics Laboratory, Great Ormond Street Hospital NHS Foundation Trust, North Thames Genomic Laboratory Hub
Classification: Pathogenic for Retinal disorders. Last evaluated: 2025-10-05. Review status: criteria provided, single submitter. Criteria: ACGS Best Practice Guidelines for Variant Classification in Rare Disease 2024 v1.2. Collection method: clinical testing. Allele origin: germline. Affected: yes.
Comment: PM2_moderate, PVS1_very-strong

Labcorp Genetics (formerly Invitae), Labcorp
Classification: Pathogenic for Saldino-Mainzer syndrome. Last evaluated: 2024-12-04. Review status: criteria provided, single submitter. Criteria: Invitae Variant Classification Sherloc (09022015). Collection method: clinical testing. Allele origin: germline.
Comment: This sequence change creates a premature translational stop signal (p.Trp653*) in the IFT140 gene. It is expected to result in an absent or disrupted protein product. Loss-of-function variants in IFT140 are known to be pathogenic (PMID: 22503633, 23418020, 24009529, 26216056). This variant is present in population databases (rs770731272, gnomAD 0.002%). This variant has not been reported in the literature in individuals affected with IFT140-related conditions. ClinVar contains an entry for this variant (Variation ID: 632246). For these reasons, this variant has been classified as Pathogenic.

Fulgent Genetics
Classification: Pathogenic for Saldino-Mainzer syndrome; Retinitis pigmentosa 80. Last evaluated: 2024-03-28. Review status: criteria provided, single submitter. Criteria: ACMG Guidelines, 2015. Collection method: clinical testing. Allele origin: germline.

Blueprint Genetics
Classification: Likely pathogenic for IFT140-related disorders. Last evaluated: 2022-11-11. Review status: criteria provided, single submitter. Criteria: ACMG Guidelines, 2015. Collection method: clinical testing. Allele origin: germline. Affected: yes. Observed: 4 variant alleles.

Literature cited by the submitters: PubMed 22503633 (cited by Labcorp Genetics (formerly Invitae), Labcorp); PubMed 23418020 (cited by Labcorp Genetics (formerly Invitae), Labcorp); PubMed 24009529 (cited by Labcorp Genetics (formerly Invitae), Labcorp); PubMed 26216056 (cited by Labcorp Genetics (formerly Invitae), Labcorp).

NM_014714.4(IFT140):c.1959G>A (p.Trp653Ter)

Gene: IFT140 (intraflagellar transport 140; minus strand). Cytogenetic location: 16p13.3.
Variant type: single nucleotide variant.
Coding change: c.1959G>A on transcript NM_014714.4 (MANE Select); coding-DNA position 1959, G replaced by A.
Protein change: p.Trp653Ter; replaces tryptophan 653 with a stop codon.
Molecular consequence: nonsense.
Genome position (GRCh38, 1-based): chr16:1,564,105, C>T on the plus strand (G>A on the coding strand, the complement: IFT140 is on the minus strand). VCF-style: chr16-1564105-C-T. GRCh37 (hg19) VCF-style: chr16-1614106-C-T.
Other names: short protein forms W653*.
Identifiers: ClinVar variation 632246 (VCV000632246.18), dbSNP rs770731272, ClinGen allele CA7814069.